The following is an entry in ClinVar:

NM_001244008.2(KIF1A):c.3947C>T (p.Pro1316Leu)

Gene: KIF1A (kinesin family member 1A; minus strand). Cytogenetic location: 2q37.3.
Variant type: single nucleotide variant.
Coding change: c.3947C>T on transcript NM_001244008.2 (MANE Select); coding-DNA position 3947, C replaced by T.
Protein change: p.Pro1316Leu; replaces proline 1316 with leucine.
Molecular consequence: missense variant.
Genome position (GRCh38, 1-based): chr2:240,737,123, G>A on the plus strand (C>T on the coding strand, the complement: KIF1A is on the minus strand). VCF-style: chr2-240737123-G-A. GRCh37 (hg19) VCF-style: chr2-241676540-G-A.
Other names: c.3671C>T, p.Pro1224Leu (NM_001320705.2, NM_001330289.2, NM_001379638.1); c.3746C>T, p.Pro1249Leu (NM_001330290.2, NM_001379634.1, NM_001379635.1 and 1 more transcripts); c.4022C>T, p.Pro1341Leu (NM_001379631.1); c.3896C>T, p.Pro1299Leu (NM_001379632.1); c.3920C>T, p.Pro1307Leu (NM_001379633.1, NM_001379642.1, NM_001379645.1); c.3758C>T, p.Pro1253Leu (NM_001379636.1); c.3719C>T, p.Pro1240Leu (NM_001379637.1, NM_001379648.1); c.3644C>T, p.Pro1215Leu (NM_001379639.1, NM_001379641.1, NM_001379649.1 and 5 more transcripts); and 1 more; short protein forms P1214L, P1215L, P1224L, P1240L, P1249L, P1253L, P1299L, P1307L.
Identifiers: ClinVar variation 2580415 (VCV002580415.1), dbSNP rs2537080666, ClinGen allele CA351312792.

ClinVar aggregate classification (germline): Uncertain significance (1 of 4 stars; one submission).

Allele frequency attached by ClinVar (database versions not stated): gnomAD exomes below 0.00001.
gnomAD v4.1: 1 of 1,613,772 alleles (0.000062%); highest among the groups gnomAD compares: Non-Finnish European, 0.000085%; no homozygotes.

Submission:

GeneDx
Classification: Uncertain significance. Last evaluated: 2023-03-22. Review status: criteria provided, single submitter. Criteria: GeneDx Variant Classification Process June 2021. Collection method: clinical testing. Allele origin: germline. Affected: yes.
Comment: Not observed at significant frequency in large population cohorts (gnomAD); In silico analysis supports that this missense variant has a deleterious effect on protein structure/function; Has not been previously published as pathogenic or benign to our knowledge